The following is an entry in ClinVar:

NM_001354604.2(MITF):c.316C>T (p.Leu106Phe)

Gene: MITF (melanocyte inducing transcription factor; plus strand). Cytogenetic location: 3p13.
Variant type: single nucleotide variant.
Coding change: c.316C>T on transcript NM_001354604.2 (MANE Select); coding-DNA position 316, C replaced by T.
Protein change: p.Leu106Phe; replaces leucine 106 with phenylalanine.
Molecular consequence: missense variant.
Genome position (GRCh38, 1-based): chr3:69,879,345, C>T. VCF-style: chr3-69879345-C-T. GRCh37 (hg19) VCF-style: chr3-69928496-C-T.
Other names: c.160C>T, p.Leu54Phe (NM_001184967.2, NM_001354608.2); c.313C>T, p.Leu105Phe (NM_001354605.2, NM_001354606.2, NM_006722.3); c.265C>T, p.Leu89Phe (NM_001354607.2); c.316C>T, p.Leu106Phe (NM_198159.3); c.268C>T, p.Leu90Phe (NM_198177.3); c.316C>T (NM_001354604.1); short protein forms L54F, L106F, L90F, L105F, L89F.
Identifiers: ClinVar variation 805006 (VCV000805006.5), dbSNP rs371080525, ClinGen allele CA2490292.

ClinVar aggregate classification (germline): Conflicting classifications of pathogenicity. Review status: criteria provided, conflicting classifications (1 of 4 stars). 3 submissions from 3 submitters: Uncertain significance (2); Likely benign (1). Last evaluated 2023-07-07.

Conditions:
MITF-related disorder. Also called: MITF-related condition.

Allele frequency attached by ClinVar (database versions not stated): gnomAD exomes 0.00001 and 0.00006; ExAC 0.00006; 1000 Genomes Project 30x 0.00016; gnomAD 0.00017 and 0.00020; 1000 Genomes Project 0.00020; TOPMed 0.00022; ESP Exome Variant Server 0.00023.

Submissions (3):

PreventionGenetics, part of Exact Sciences
Classification: Uncertain significance for MITF-related condition. Last evaluated: 2023-07-07. Review status: criteria provided, single submitter. Criteria: ACMG Guidelines, 2015. Collection method: clinical testing. Allele origin: germline.
Comment: The MITF c.316C>T variant is predicted to result in the amino acid substitution p.Leu106Phe. To our knowledge, this variant has not been reported in the literature. This variant is reported in 0.078% of alleles in individuals of African descent in gnomAD and has conflicting interpretations regarding its pathogenicity in ClinVar, ranging from likely benign to uncertain. Although we suspect that this variant may be benign, at this time, the clinical significance of this variant is uncertain due to the absence of conclusive functional and genetic evidence.

GeneDx
Classification: Uncertain significance. Last evaluated: 2019-10-24. Review status: criteria provided, single submitter. Criteria: GeneDx Variant Classification Process June 2021. Collection method: clinical testing. Allele origin: germline. Affected: yes.
Comment: Has not been previously published as pathogenic or benign to our knowledge; In silico analysis, which includes protein predictors and evolutionary conservation, supports that this variant does not alter protein structure/function

Athena Diagnostics
Classification: Likely benign. Last evaluated: 2018-09-14. Review status: criteria provided, single submitter. Criteria: Athena Diagnostics Criteria. Collection method: clinical testing. Allele origin: germline.